The following is an entry in ClinVar:

ClinVar aggregate classification (germline): Likely benign (1 of 4 stars; one submission).

Conditions:
ACACB-related disorder. Also called: ACACB-related condition.

gnomAD v4.1: 1,502 of 1,614,154 alleles (0.093%); highest among the groups gnomAD compares: East Asian, 0.35%; 6 homozygotes.

Submission:

PreventionGenetics, part of Exact Sciences
Classification: Likely benign for ACACB-related condition. Last evaluated: 2024-12-07. Review status: criteria provided, single submitter. Criteria: ACMG Guidelines, 2015. Collection method: clinical testing. Allele origin: germline.
Comment: This variant is classified as likely benign based on ACMG/AMP sequence variant interpretation guidelines (Richards et al. 2015 PMID: 25741868, with internal and published modifications).

NM_001093.4(ACACB):c.4757G>A (p.Arg1586His)

Gene: ACACB (acetyl-CoA carboxylase beta; plus strand). Cytogenetic location: 12q24.11.
Variant type: single nucleotide variant.
Coding change: c.4757G>A on transcript NM_001093.4 (MANE Select); coding-DNA position 4757, G replaced by A.
Protein change: p.Arg1586His; replaces arginine 1586 with histidine.
Molecular consequence: missense variant.
Genome position (GRCh38, 1-based): chr12:109,239,924, G>A. VCF-style: chr12-109239924-G-A. GRCh37 (hg19) VCF-style: chr12-109677729-G-A.
Other names: c.4757G>A, p.Arg1586His (NM_001412734.1, NM_001412735.1); c.4151G>A, p.Arg1384His (NM_001412736.1, NM_001412739.1); c.4130G>A, p.Arg1377His (NM_001412737.1); c.3962G>A, p.Arg1321His (NM_001412738.1); short protein forms R1377H, R1384H, R1586H, R1321H.
Identifiers: ClinVar variation 4978552 (VCV004978552.1).
Genomic context (GRCh38, chr12:109,239,924, plus strand): 5'-AGCGGCTGCTCCTGGAGGCCATGGACGAGCTGGAGGTGGCGTTCAATAACACCAGCGTGC[G>A]CACCGACTGCAACCACATCTTCCTCAACTTCGTGCCCACTGTCATCATGGACCCCTTCAA-3'
Protein context (NP_001084.3, residues 1576-1596): LEVAFNNTSV[Arg1586His]TDCNHIFLNF